The following is an entry in ClinVar:

NM_004984.4(KIF5A):c.1492T>C (p.Tyr498His)

Gene: KIF5A (kinesin family member 5A; plus strand). Cytogenetic location: 12q13.3.
Variant type: single nucleotide variant.
Coding change: c.1492T>C on transcript NM_004984.4 (MANE Select); coding-DNA position 1492, T replaced by C.
Protein change: p.Tyr498His; replaces tyrosine 498 with histidine.
Molecular consequence: missense variant.
Genome position (GRCh38, 1-based): chr12:57,572,190, T>C. VCF-style: chr12-57572190-T-C. GRCh37 (hg19) VCF-style: chr12-57965973-T-C.
Other names: c.1225T>C, p.Tyr409His (NM_001354705.2); short protein forms Y409H, Y498H.
Identifiers: ClinVar variation 3637609 (VCV003637609.2).

ClinVar aggregate classification (germline): Uncertain significance (1 of 4 stars; one submission).

Conditions:
Spastic paraplegia. Identifiers: MedGen C0037772, HP:0001258.

Submission:

Labcorp Genetics (formerly Invitae), Labcorp
Classification: Uncertain significance for Spastic paraplegia. Last evaluated: 2025-05-06. Review status: criteria provided, single submitter. Criteria: Invitae Variant Classification Sherloc (09022015). Collection method: clinical testing. Allele origin: germline.
Comment: This sequence change replaces tyrosine, which is neutral and polar, with histidine, which is basic and polar, at codon 498 of the KIF5A protein (p.Tyr498His). This variant is not present in population databases (gnomAD no frequency). This variant has not been reported in the literature in individuals affected with KIF5A-related conditions. ClinVar contains an entry for this variant (Variation ID: 3637609). Invitae Evidence Modeling of protein sequence and biophysical properties (such as structural, functional, and spatial information, amino acid conservation, physicochemical variation, residue mobility, and thermodynamic stability) has been performed for this missense variant. However, the output from this modeling did not meet the statistical confidence thresholds required to predict the impact of this variant on KIF5A protein function. In summary, the available evidence is currently insufficient to determine the role of this variant in disease. Therefore, it has been classified as a Variant of Uncertain Significance.